The following is an entry in ClinVar:

ClinVar aggregate classification (germline): Uncertain significance (1 of 4 stars; one submission).

Submission:

GeneDx
Classification: Uncertain significance. Last evaluated: 2024-04-22. Review status: criteria provided, single submitter. Criteria: GeneDx Variant Classification Process June 2021. Collection method: clinical testing. Allele origin: germline. Affected: yes.
Comment: Not observed at significant frequency in large population cohorts (gnomAD); In silico analysis supports that this missense variant has a deleterious effect on protein structure/function; Has not been previously published as pathogenic or benign to our knowledge; This variant is associated with the following publications: (PMID: 30413629)

NM_001845.6(COL4A1):c.443G>C (p.Gly148Ala)

Gene: COL4A1 (collagen type IV alpha 1 chain; minus strand). Cytogenetic location: 13q34.
Variant type: single nucleotide variant.
Coding change: c.443G>C on transcript NM_001845.6 (MANE Select); coding-DNA position 443, G replaced by C.
Protein change: p.Gly148Ala; replaces glycine 148 with alanine.
Molecular consequence: missense variant.
Genome position (GRCh38, 1-based): chr13:110,211,672, C>G on the plus strand (G>C on the coding strand, the complement: COL4A1 is on the minus strand). VCF-style: chr13-110211672-C-G. GRCh37 (hg19) VCF-style: chr13-110864019-C-G.
Other names: c.443G>C, p.Gly148Ala (NM_001303110.2); short protein forms G148A.
Identifiers: ClinVar variation 3372816 (VCV003372816.1).
Genomic context (GRCh38, chr13:110,211,672, plus strand): 5'-ATGAATCCAATAAAGCAAAATAAAATAAAATGTACCTTCATCCCTGGTAAGCCTGGTGGT[C>G]CCTAAAAAAGAAAGTTTTGGTGTTAGTTTTGTTTTTCTCAAAATATCATTAGCATTAAAA-3'
Protein context (NP_001836.3, residues 138-158): PGLPGFAGNP[Gly148Ala]PPGLPGMKGD